The following is an entry in ClinVar:

NM_000180.4(GUCY2D):c.1180C>T (p.Leu394=)

Gene: GUCY2D (guanylate cyclase 2D, retinal; plus strand). Cytogenetic location: 17p13.1.
Variant type: single nucleotide variant.
Coding change: c.1180C>T on transcript NM_000180.4 (MANE Select); coding-DNA position 1180, C replaced by T.
Protein change: p.Leu394=; no amino-acid change (leucine 394 retained).
Molecular consequence: synonymous variant.
Genome position (GRCh38, 1-based): chr17:8,006,516, C>T. VCF-style: chr17-8006516-C-T. GRCh37 (hg19) VCF-style: chr17-7909834-C-T.
Other names: c.1180C>T (NM_000180.3).
Identifiers: ClinVar variation 1619213 (VCV001619213.10), dbSNP rs1207668008, ClinGen allele CA497749240.

ClinVar aggregate classification (germline): Likely benign. Review status: criteria provided, multiple submitters, no conflicts (2 of 4 stars). 3 submissions from 3 submitters: Likely benign (3). Last evaluated 2025-11-03.

Conditions:
Cone-rod dystrophy 6 (CORD6). Also called: RETINAL CONE DYSTROPHY 2; Cone dystrophy progressive. Identifiers: Orphanet 1872, MedGen C1866293, MONDO:0011143, OMIM 601777.
Leber congenital amaurosis 1 (LCA1). Also called: RETINAL BLINDNESS, CONGENITAL; AMAUROSIS CONGENITA OF LEBER I; Congenital absence of the rods and cones; Leber's congenital tapetoretinal degeneration; Leber's congenital tapetoretinal dysplasia. Identifiers: Orphanet 65, MedGen C2931258, MONDO:0008764, OMIM 204000.
GUCY2D-related disorder. Also called: GUCY2D-related condition.

Allele frequency attached by ClinVar (database versions not stated): gnomAD exomes 0.00001; gnomAD 0.00003; TOPMed 0.00005.
gnomAD v4.1: 11 of 1,610,344 alleles (0.00068%); highest among the groups gnomAD compares: Admixed American, 0.018%; no homozygotes.

Submissions (3):

PreventionGenetics, part of Exact Sciences
Classification: Likely benign for GUCY2D-related condition. Last evaluated: 2025-11-03. Review status: criteria provided, single submitter. Criteria: ACMG Guidelines, 2015. Collection method: clinical testing. Allele origin: germline.
Comment: This variant is classified as likely benign based on ACMG/AMP sequence variant interpretation guidelines (Richards et al. 2015 PMID: 25741868, with internal and published modifications).

Labcorp Genetics (formerly Invitae), Labcorp
Classification: Likely benign for Leber congenital amaurosis 1; Cone-rod dystrophy 6. Last evaluated: 2024-04-03. Review status: criteria provided, single submitter. Criteria: Invitae Variant Classification Sherloc (09022015). Collection method: clinical testing. Allele origin: germline.

Blueprint Genetics
Classification: Likely benign. Last evaluated: 2021-04-16. Review status: criteria provided, single submitter. Criteria: ACMG Guidelines, 2015. Collection method: clinical testing. Allele origin: germline.